The following is an entry in ClinVar:

NM_000222.3(KIT):c.324T>C (p.Tyr108=)

Gene: KIT (KIT proto-oncogene, receptor tyrosine kinase; plus strand). Cytogenetic location: 4q12.
Variant type: single nucleotide variant.
Coding change: c.324T>C on transcript NM_000222.3 (MANE Select); coding-DNA position 324, T replaced by C.
Protein change: p.Tyr108=; no amino-acid change (tyrosine 108 retained).
Molecular consequence: synonymous variant.
Genome position (GRCh38, 1-based): chr4:54,695,768, T>C. VCF-style: chr4-54695768-T-C. GRCh37 (hg19) VCF-style: chr4-55561934-T-C.
Other names: c.324T>C, p.Tyr108= (NM_001093772.2, NM_001385284.1, NM_001385285.1 and 4 more transcripts).
Identifiers: ClinVar variation 528687 (VCV000528687.14), dbSNP rs1553887353, ClinGen allele CA439409249.

ClinVar aggregate classification (germline): Benign/Likely benign. Review status: criteria provided, multiple submitters, no conflicts (2 of 4 stars). 3 submissions from 3 submitters: Benign (1); Likely benign (2). Last evaluated 2026-06-03.

Conditions:
Hereditary cancer-predisposing syndrome. Also called: Hereditary neoplastic syndrome; Neoplastic Syndromes, Hereditary; Hereditary Cancer Syndrome; Tumor predisposition. Identifiers: Orphanet 140162, MedGen C0027672, MeSH D009386, MONDO:0015356.
Gastrointestinal stromal tumor. Also called: Gastrointestinal stromal tumor, somatic; Gastrointestinal stroma tumor. Identifiers: Orphanet 44890, MedGen C0238198, MeSH D046152, MONDO:0011719, OMIM 606764, HP:0100723.

Submissions (3):

Myriad Genetics, Inc.
Classification: Benign for Gastrointestinal stromal tumor. Last evaluated: 2026-06-03. Review status: criteria provided, single submitter. Criteria: Myriad Autosomal Dominant, Autosomal Recessive and X-Linked Classification Criteria (2023). Collection method: clinical testing. Allele origin: unknown.
Comment: This variant is considered benign. This variant is a silent/synonymous amino acid change and it is not expected to impact splicing.

Labcorp Genetics (formerly Invitae), Labcorp
Classification: Likely benign for Gastrointestinal stromal tumor. Last evaluated: 2024-01-02. Review status: criteria provided, single submitter. Criteria: Invitae Variant Classification Sherloc (09022015). Collection method: clinical testing. Allele origin: germline.

Ambry Genetics
Classification: Likely benign for Hereditary cancer-predisposing syndrome. Last evaluated: 2019-12-25. Review status: criteria provided, single submitter. Criteria: Ambry Variant Classification Scheme 2023. Collection method: clinical testing. Allele origin: germline.